The following is an entry in ClinVar:

ClinVar aggregate classification (germline): Likely pathogenic (1 of 4 stars; one submission).

Conditions:
Deficiency of steroid 11-beta-monooxygenase (CYP11B1). Also called: ADRENAL HYPERPLASIA, CONGENITAL, DUE TO STEROID 11-BETA-HYDROXYLASE DEFICIENCY; 11-BETA-HYDROXYLASE DEFICIENCY; Congenital adrenal hyperplasia due to 11-beta-hydroxylase deficiency; P450C11B1 DEFICIENCY; STEROID 11-BETA-HYDROXYLASE DEFICIENCY; ADRENAL HYPERPLASIA IV. Identifiers: Orphanet 90795, MedGen C0268292, MONDO:0008729, OMIM 202010. Disease mechanism: loss of function.

Submission:

Myriad Genetics, Inc.
Classification: Likely pathogenic for Deficiency of steroid 11-beta-monooxygenase. Last evaluated: 2022-02-05. Review status: criteria provided, single submitter. Criteria: Myriad Women's Health Autosomal Recessive and X-Linked Classification Criteria (2021). Collection method: clinical testing. Allele origin: unknown.
Comment: NM_000497.3(CYP11B1):c.811_812ins8(I271Kfs*28) is expected to be pathogenic in the context of congenital adrenal hyperplasia, CYP11B1-related. This variant is predicted to lead to an abnormal or absent protein product due to the creation of a premature termination codon in CYP11B1, a gene where loss-of-function variants are known to be pathogenic. Please note: this variant was assessed in the context of healthy population screening.

NM_000497.4(CYP11B1):c.811_812insAGAGGGAT (p.Ile271fs)

Genes: CYP11B1 (cytochrome P450 family 11 subfamily B member 1; minus strand), LOC106799833 (CYP11B1 recombination region; plus strand). Cytogenetic location: 8q24.3.
Variant type: Insertion.
Coding change: c.811_812insAGAGGGAT on transcript NM_000497.4 (MANE Select); coding-DNA positions 811 to 812, AGAGGGAT inserted.
Protein change: p.Ile271fs; shifts the reading frame from isoleucine 271.
Molecular consequence: frameshift variant.
Genome position: GRCh38 VCF-style: chr8-142876383-A-AATCCCTCT. GRCh37 (hg19) VCF-style: chr8-143957799-A-AATCCCTCT.
Other names: c.811_812insAGAGGGAT, p.Ile271fs (NM_001026213.1); short protein forms I271fs.
Identifiers: ClinVar variation 1724295 (VCV001724295.2), dbSNP rs2488677593, ClinGen allele CA2580078660.